The following is an entry in ClinVar:

ClinVar aggregate classification (germline): Likely benign. Review status: criteria provided, single submitter (1 of 4 stars). 2 submissions from 2 submitters: Likely benign (1). 1 of the submissions does not count toward it. Last evaluated 2025-03-31.

Conditions:
Bardet-Biedl syndrome (BBS). Identifiers: Orphanet 110, MedGen C0752166, MONDO:0015229.
BBS9-related disorder. Also called: BBS9-related condition.

Allele frequency attached by ClinVar (database versions not stated): gnomAD exomes below 0.00001; gnomAD 0.00001; ExAC 0.00002; TOPMed 0.00003.
gnomAD v4.1: 8 of 1,613,452 alleles (0.0005%); highest among the groups gnomAD compares: Admixed American, 0.0017%; no homozygotes.

Submissions (2):

Labcorp Genetics (formerly Invitae), Labcorp
Classification: Likely benign for Bardet-Biedl syndrome. Last evaluated: 2025-03-31. Review status: criteria provided, single submitter. Criteria: Invitae Variant Classification Sherloc (09022015). Collection method: clinical testing. Allele origin: germline.

PreventionGenetics, part of Exact Sciences
Classification: Likely benign for BBS9-related condition. Last evaluated: 2021-04-19. Review status: no assertion criteria provided. Collection method: clinical testing. Allele origin: germline. Not counted in ClinVar's aggregate classification.
Comment: This variant is classified as likely benign based on ACMG/AMP sequence variant interpretation guidelines (Richards et al. 2015 PMID: 25741868, with internal and published modifications).

NM_198428.3(BBS9):c.1963-4G>A

Gene: BBS9 (Bardet-Biedl syndrome 9; plus strand). Cytogenetic location: 7p14.3.
Variant type: single nucleotide variant.
Coding change: c.1963-4G>A on transcript NM_198428.3 (MANE Select); 4 bases into the intron before coding-DNA position 1963, G replaced by A.
Molecular consequence: intron variant.
Genome position (GRCh38, 1-based): chr7:33,387,988, G>A. VCF-style: chr7-33387988-G-A. GRCh37 (hg19) VCF-style: chr7-33427600-G-A.
Other names: c.1963-4G>A (NM_001348036.1, NM_001362679.1, NM_001348041.4 and 2 more transcripts); c.1690-4G>A (NM_001348038.3); c.1585-4G>A (NM_001348039.3); c.1948-4G>A (NM_001033605.2); c.1858-4G>A (NM_001033604.2); c.1843-4G>A (NM_014451.4, NM_001348040.3); c.1597-4G>A (NM_001348037.3, NM_001348045.3, NM_001348046.3); c.1828-4G>A (NM_001348042.3); and 1 more.
Identifiers: ClinVar variation 2080437 (VCV002080437.6), dbSNP rs774532810, ClinGen allele CA4214568.